The following is an entry in ClinVar:

NM_006302.3(MOGS):c.2375T>C (p.Val792Ala)

Gene: MOGS (mannosyl-oligosaccharide glucosidase; minus strand). Cytogenetic location: 2p13.1.
Variant type: single nucleotide variant.
Coding change: c.2375T>C on transcript NM_006302.3 (MANE Select); coding-DNA position 2375, T replaced by C.
Protein change: p.Val792Ala; replaces valine 792 with alanine.
Molecular consequence: missense variant.
Genome position (GRCh38, 1-based): chr2:74,461,414, A>G on the plus strand (T>C on the coding strand, the complement: MOGS is on the minus strand). VCF-style: chr2-74461414-A-G. GRCh37 (hg19) VCF-style: chr2-74688541-A-G.
Other names: c.2057T>C, p.Val686Ala (NM_001146158.2); short protein forms V686A, V792A.
Identifiers: ClinVar variation 1362121 (VCV001362121.7), dbSNP rs757464083, ClinGen allele CA1724592.

ClinVar aggregate classification (germline): Uncertain significance (1 of 4 stars; one submission).

Conditions:
MOGS-congenital disorder of glycosylation. Also called: MOGS-CDG; CDG 2B; GLUCOSIDASE I DEFICIENCY; CDG IIb. Identifiers: Orphanet 79330, MedGen C1853736, MONDO:0011629, OMIM 606056.

Allele frequency attached by ClinVar (database versions not stated): gnomAD exomes below 0.00001; ExAC 0.00001.
gnomAD v4.1: 2 of 1,614,184 alleles (0.00012%); highest among the groups gnomAD compares: Admixed American, 0.0017%; no homozygotes.

Submission:

Labcorp Genetics (formerly Invitae), Labcorp
Classification: Uncertain significance for MOGS-congenital disorder of glycosylation. Last evaluated: 2023-12-06. Review status: criteria provided, single submitter. Criteria: Invitae Variant Classification Sherloc (09022015). Collection method: clinical testing. Allele origin: germline.
Comment: This sequence change replaces valine, which is neutral and non-polar, with alanine, which is neutral and non-polar, at codon 792 of the MOGS protein (p.Val792Ala). This variant is present in population databases (rs757464083, gnomAD 0.003%). This variant has not been reported in the literature in individuals affected with MOGS-related conditions. ClinVar contains an entry for this variant (Variation ID: 1362121). Advanced modeling of protein sequence and biophysical properties (such as structural, functional, and spatial information, amino acid conservation, physicochemical variation, residue mobility, and thermodynamic stability) performed at Invitae indicates that this missense variant is not expected to disrupt MOGS protein function with a negative predictive value of 80%. In summary, the available evidence is currently insufficient to determine the role of this variant in disease. Therefore, it has been classified as a Variant of Uncertain Significance.